The following is an entry in ClinVar:

ClinVar aggregate classification (germline): Likely benign (1 of 4 stars; one submission).

Allele frequency attached by ClinVar (database versions not stated): gnomAD exomes below 0.00001; gnomAD 0.00002; TOPMed 0.00002.
gnomAD v4.1: 9 of 1,210,651 alleles (0.00074%); highest among the groups gnomAD compares: East Asian, 0.0089%; no homozygotes.

Submission:

CeGaT Center for Human Genetics Tuebingen
Classification: Likely benign. Last evaluated: 2023-03-01. Review status: criteria provided, single submitter. Criteria: CeGaT Center For Human Genetics Tuebingen Variant Classification Criteria Version 2. Collection method: clinical testing. Allele origin: germline. Affected: yes. Observed: 1 variant allele.
Comment: INTS6L: BP4, BP7

NM_001351601.3(INTS6L):c.816T>C (p.Ile272=)

Gene: INTS6L (integrator complex subunit 6 like; plus strand). Cytogenetic location: Xq26.3.
Variant type: single nucleotide variant.
Coding change: c.816T>C on transcript NM_001351601.3 (MANE Select); coding-DNA position 816, T replaced by C.
Protein change: p.Ile272=; no amino-acid change (isoleucine 272 retained).
Molecular consequence: synonymous variant. On other transcripts: non-coding transcript variant (1).
Genome position (GRCh38, 1-based): chrX:135,549,715, T>C. VCF-style: chrX-135549715-T-C. GRCh37 (hg19) VCF-style: chrX-134683640-T-C.
Other names: c.816T>C, p.Ile272= (NM_001351603.3, NM_001351604.3, NM_001351605.3 and 1 more transcripts); c.222T>C, p.Ile74= (NM_001351606.3).
Identifiers: ClinVar variation 2661488 (VCV002661488.24), dbSNP rs371714792, ClinGen allele CA336232219.
Genomic context (GRCh38, chrX:135,549,715, plus strand): 5'-TTCATCCAGGCCAAGCAATTCATTTGCTGCTCAGCCATGGCATAGTTGTCATAAACTCAT[T>C]TATGTACGACCTAACTCTAAAACTGGTGTTCCTGTTGGACATTGGCCAATTCCAGAATCT-3'
Protein context (NP_001338530.1, residues 262-282): AQPWHSCHKL[Ile272=]YVRPNSKTGV